The following is an entry in ClinVar:

NM_138713.4(NFAT5):c.4246C>T (p.Leu1416Phe)

Gene: NFAT5 (nuclear factor of activated T cells 5; plus strand). Cytogenetic location: 16q22.1.
Variant type: single nucleotide variant.
Coding change: c.4246C>T on transcript NM_138713.4 (MANE Select); coding-DNA position 4246, C replaced by T.
Protein change: p.Leu1416Phe; replaces leucine 1416 with phenylalanine.
Molecular consequence: missense variant.
Genome position (GRCh38, 1-based): chr16:69,694,071, C>T. VCF-style: chr16-69694071-C-T. GRCh37 (hg19) VCF-style: chr16-69727974-C-T.
Other names: c.4243C>T, p.Leu1415Phe (NM_001113178.3); c.3571C>T, p.Leu1191Phe (NM_001367709.1); c.4192C>T, p.Leu1398Phe (NM_006599.4); c.3964C>T, p.Leu1322Phe (NM_138714.4, NM_173214.3, NM_173215.3); c.4246C>T, p.Leu1416Phe (LRG_1332t1); short protein forms L1322F, L1416F, L1398F, L1191F, L1415F.
Identifiers: ClinVar variation 456661 (VCV000456661.9), dbSNP rs1202614548, ClinGen allele CA396515364.

ClinVar aggregate classification (germline): Uncertain significance (1 of 4 stars; one submission).

Conditions:
Immunodeficiency. Identifiers: MedGen C0021051, MONDO:0021094, HP:0002721.

Submission:

Labcorp Genetics (formerly Invitae), Labcorp
Classification: Uncertain significance for Immunodeficiency. Last evaluated: 2024-02-17. Review status: criteria provided, single submitter. Criteria: Invitae Variant Classification Sherloc (09022015). Collection method: clinical testing. Allele origin: germline.
Comment: This sequence change replaces leucine, which is neutral and non-polar, with phenylalanine, which is neutral and non-polar, at codon 1322 of the NFAT5 protein (p.Leu1322Phe). This variant is not present in population databases (gnomAD no frequency). This variant has not been reported in the literature in individuals affected with NFAT5-related conditions. ClinVar contains an entry for this variant (Variation ID: 456661). An algorithm developed to predict the effect of missense changes on protein structure and function (PolyPhen-2) suggests that this variant is likely to be disruptive. In summary, the available evidence is currently insufficient to determine the role of this variant in disease. Therefore, it has been classified as a Variant of Uncertain Significance.